The following is an entry in ClinVar:

ClinVar aggregate classification (germline): Uncertain significance (1 of 4 stars; one submission).

Conditions:
Nemaline myopathy 2 (NEM2). Also called: Nemaline myopathy 2, autosomal recessive. Identifiers: MedGen C1850569, MONDO:0009725, OMIM 256030.

Submission:

Labcorp Genetics (formerly Invitae), Labcorp
Classification: Uncertain significance for Nemaline myopathy 2. Last evaluated: 2022-09-07. Review status: criteria provided, single submitter. Criteria: Invitae Variant Classification Sherloc (09022015). Collection method: clinical testing. Allele origin: germline.
Comment: This sequence change replaces arginine, which is basic and polar, with proline, which is neutral and non-polar, at codon 7199 of the NEB protein (p.Arg7199Pro). This variant is not present in population databases (gnomAD no frequency). This variant has not been reported in the literature in individuals affected with NEB-related conditions. In summary, the available evidence is currently insufficient to determine the role of this variant in disease. Therefore, it has been classified as a Variant of Uncertain Significance. Algorithms developed to predict the effect of missense changes on protein structure and function are either unavailable or do not agree on the potential impact of this missense change (SIFT: "Deleterious"; PolyPhen-2: "Not Available"; Align-GVGD: "Class C0"). ClinVar contains an entry for this variant (Variation ID: 843327).

NM_001164508.2(NEB):c.21491G>C (p.Arg7164Pro)

Genes: NEB (nebulin; minus strand), RIF1 (replication timing regulatory factor 1; plus strand). Cytogenetic location: 2q23.3.
Variant type: single nucleotide variant.
Coding change: c.21491G>C on transcript NM_001164508.2 (MANE Select); coding-DNA position 21491, G replaced by C.
Protein change: p.Arg7164Pro; replaces arginine 7164 with proline.
Molecular consequence: missense variant.
Genome position (GRCh38, 1-based): chr2:151,531,823, C>G on the plus strand (G>C on the coding strand, the complement: NEB is on the minus strand). VCF-style: chr2-151531823-C-G. GRCh37 (hg19) VCF-style: chr2-152388337-C-G.
Other names: c.21491G>C, p.Arg7164Pro (NM_001164507.2); c.21596G>C, p.Arg7199Pro (NM_001271208.2); c.16388G>C, p.Arg5463Pro (NM_004543.5); short protein forms R5463P, R7164P, R7199P.
Identifiers: ClinVar variation 843327 (VCV000843327.9), dbSNP rs16830171, ClinGen allele CA57633148.